The following is an entry in ClinVar:

ClinVar aggregate classification (germline): Likely benign (1 of 4 stars; one submission).

Conditions:
Papillary renal cell carcinoma type 1 (RCCP1). Also called: Renal adenocarcinoma; Renal cell carcinoma 1; Renal cell carcinoma, somatic; RENAL CELL CARCINOMA, PAPILLARY, 1, SOMATIC. Identifiers: Orphanet 47044, MedGen C1336839, OMIM 605074, HP:0011797.

Submission:

Myriad Genetics, Inc.
Classification: Likely benign for Papillary renal cell carcinoma type 1. Last evaluated: 2024-11-14. Review status: criteria provided, single submitter. Criteria: Myriad Autosomal Dominant, Autosomal Recessive and X-Linked Classification Criteria (2023). Collection method: clinical testing. Allele origin: unknown.
Comment: This variant is considered likely benign. This variant is intronic and is not expected to impact mRNA splicing.

NM_000245.4(MET):c.3633-8delinsCC

Gene: MET (MET proto-oncogene, receptor tyrosine kinase; plus strand). Cytogenetic location: 7q31.2.
Variant type: Indel.
Coding change: c.3633-8delinsCC on transcript NM_000245.4 (MANE Select); 8 bases into the intron before coding-DNA position 3633, T replaced by CC.
Molecular consequence: intron variant.
Genome position (GRCh38, 1-based): chr7:116,783,296, T replaced by CC. VCF-style: chr7-116783296-T-CC. GRCh37 (hg19) VCF-style: chr7-116423350-T-CC.
Other names: c.3687-8delinsCC (NM_001127500.3); c.2343-8delinsCC (NM_001324402.2).
Identifiers: ClinVar variation 3773025 (VCV003773025.1).